The following is an entry in ClinVar:

ClinVar aggregate classification (germline): Benign. Review status: criteria provided, multiple submitters, no conflicts (2 of 4 stars). 2 submissions from 2 submitters: Benign (2). Last evaluated 2026-02-01.

Conditions:
Cone dystrophy with supernormal rod response (CDSRR). Also called: CONE DYSTROPHY WITH SUPERNORMAL ROD RESPONSES. Identifiers: Orphanet 209932, MedGen C1835897, MONDO:0012475, OMIM 610356.

Allele frequency attached by ClinVar (database versions not stated): gnomAD exomes 0.00098 and 0.00187; ExAC 0.00263; 1000 Genomes Project 30x 0.00390; 1000 Genomes Project 0.00399; gnomAD 0.00004 and 0.00050; TOPMed 0.00009.

Submissions (2):

Labcorp Genetics (formerly Invitae), Labcorp
Classification: Benign. Last evaluated: 2026-02-01. Review status: criteria provided, single submitter. Criteria: Invitae Variant Classification Sherloc (09022015). Collection method: clinical testing. Allele origin: germline.

Illumina Laboratory Services, Illumina
Classification: Benign for Cone dystrophy with supernormal rod response. Last evaluated: 2018-01-12. Review status: criteria provided, single submitter. Criteria: ICSL Variant Classification Criteria 13 December 2019. Collection method: clinical testing. Allele origin: germline.
Comment: This variant was observed in the ICSL laboratory as part of a predisposition screen in an ostensibly healthy population. It had not been previously curated by ICSL or reported in the Human Gene Mutation Database (HGMD: prior to June 1st, 2018), and was therefore a candidate for classification through an automated scoring system. Utilizing variant allele frequency, disease prevalence and penetrance estimates, and inheritance mode, an automated score was calculated to assess if this variant is too frequent to cause the disease. Based on the score and internal cut-off values, a variant classified as benign is not then subjected to further curation. The score for this variant resulted in a classification of benign for this disease.

NM_133497.4(KCNV2):c.432G>A (p.Glu144=)

Gene: KCNV2 (potassium voltage-gated channel modifier subfamily V member 2; plus strand). Cytogenetic location: 9p24.2.
Variant type: single nucleotide variant.
Coding change: c.432G>A on transcript NM_133497.4 (MANE Select); coding-DNA position 432, G replaced by A.
Protein change: p.Glu144=; no amino-acid change (glutamic acid 144 retained).
Molecular consequence: synonymous variant.
Genome position (GRCh38, 1-based): chr9:2,718,171, G>A. VCF-style: chr9-2718171-G-A. GRCh37 (hg19) VCF-style: chr9-2718171-G-A.
Identifiers: ClinVar variation 764753 (VCV000764753.14), dbSNP rs530006522, ClinGen allele CA4965446.